The following is an entry in ClinVar:

NM_017636.4(TRPM4):c.1553_1555dup (p.Arg518_Tyr519insTrp)

Gene: TRPM4 (transient receptor potential cation channel subfamily M member 4; plus strand). Cytogenetic location: 19q13.33.
Variant type: Duplication.
Coding change: c.1553_1555dup on transcript NM_017636.4 (MANE Select); coding-DNA positions 1553 to 1555, 3 bases duplicated (GGT; older notation c.1553_1555dupGGT).
Protein change: p.Arg518_Tyr519insTrp.
Molecular consequence: inframe insertion. On other transcripts: splice donor variant (1).
Genome position (GRCh38, 1-based): chr19:49,182,867-49,182,869, GGT duplicated. VCF-style (leftmost placement, unchanged base first): chr19-49182866-A-AGGT. GRCh37 (hg19) VCF-style: chr19-49686123-A-AGGT.
Other names: c.1553_1555dup, p.Arg518_Tyr519insTrp (NM_001195227.2); c.1208_1210dup, p.Arg403_Tyr404insTrp (NM_001321281.2); c.1031_1033dup, p.Arg344_Tyr345insTrp (NM_001321283.2); c.491_493dup, p.Arg164_Tyr165insTrp (NM_001321285.2); c.-1_-1+2dup (NM_001321282.2).
Identifiers: ClinVar variation 1358353 (VCV001358353.8), dbSNP rs2122937001, ClinGen allele CA2573156658.
Genomic context (GRCh38, chr19:49,182,866, plus strand): 5'-CTCCGGCCCCCTGACGTGGGGCATGTGCTGAGGATGCTGCTGGGGAAGATGTGCGCGCCG[A>AGGT]GGTACCCCTCCGGGGGCGCCTGGGACCCTCACCCAGGCCAGGGCTTCGGGGAGAGCGTAA-3'

ClinVar aggregate classification (germline): Uncertain significance (1 of 4 stars; one submission).

Conditions:
Progressive familial heart block type IB (PFHB1B). Identifiers: Orphanet 871, MedGen C1970298, MONDO:0011474, OMIM 604559.

Submission:

Labcorp Genetics (formerly Invitae), Labcorp
Classification: Uncertain significance for Progressive familial heart block type IB. Last evaluated: 2021-06-01. Review status: criteria provided, single submitter. Criteria: Invitae Variant Classification Sherloc (09022015). Collection method: clinical testing. Allele origin: germline.
Comment: In summary, the available evidence is currently insufficient to determine the role of this variant in disease. Therefore, it has been classified as a Variant of Uncertain Significance. Algorithms developed to predict the effect of sequence changes on RNA splicing suggest that this variant may create or strengthen a splice site, but this prediction has not been confirmed by published transcriptional studies. Experimental studies and prediction algorithms are not available or were not evaluated, and the functional significance of this variant is currently unknown. This variant has not been reported in the literature in individuals with TRPM4-related conditions. This variant is not present in population databases (ExAC no frequency). This variant, c.1553_1555dup, results in the insertion of 1 amino acid(s) to the TRPM4 protein (p.Arg518_Tyr519insTrp), but otherwise preserves the integrity of the reading frame.